The following is an entry in ClinVar:

ClinVar aggregate classification (germline): Uncertain significance (1 of 4 stars; one submission).

Conditions:
Breast-ovarian cancer, familial, susceptibility to, 2 (BROVCA2). Also called: BRCA2 Hereditary Breast and Ovarian Cancer. Identifiers: Orphanet 145, MedGen C2675520, MONDO:0012933, OMIM 612555. Disease mechanism: loss of function.

Submission:

All of Us Research Program, National Institutes of Health
Classification: Uncertain significance for Breast-ovarian cancer, familial, susceptibility to, 2. Last evaluated: 2023-11-30. Review status: criteria provided, single submitter. Criteria: ACMG Guidelines, 2015. Collection method: clinical testing. Allele origin: germline. Inheritance: Autosomal dominant inheritance. Observed: 1 variant allele, 1 heterozygote.
Comment: This study involves interpretation of variants in research participants for the purpose of population health screening. Participant phenotype was not available at the time of variant classification. Additional details can be found in publication PMID: 35346344, PMCID: PMC8962531

NM_000059.4(BRCA2):c.7991T>C (p.Ile2664Thr)

Gene: BRCA2 (BRCA2 DNA repair associated; plus strand). Cytogenetic location: 13q13.1.
Variant type: single nucleotide variant.
Coding change: c.7991T>C on transcript NM_000059.4 (MANE Select); coding-DNA position 7991, T replaced by C.
Protein change: p.Ile2664Thr; replaces isoleucine 2664 with threonine.
Molecular consequence: missense variant. On other transcripts: non-coding transcript variant (1).
Genome position (GRCh38, 1-based): chr13:32,363,193, T>C. VCF-style: chr13-32363193-T-C. GRCh37 (hg19) VCF-style: chr13-32937330-T-C.
Other names: c.7895T>C, p.Ile2632Thr (NM_001406719.1); c.7991T>C, p.Ile2664Thr (NM_001406720.1); c.3059T>C, p.Ile1020Thr (NM_001406721.1); c.1574T>C, p.Ile525Thr (NM_001406722.1); short protein forms I1020T, I2632T, I2664T, I525T.
Identifiers: ClinVar variation 3074016 (VCV003074016.1), dbSNP rs2137579693, ClinGen allele CA387748588.